The following is an entry in ClinVar:

NM_004006.3(DMD):c.9361+1G>A

Gene: DMD (dystrophin; minus strand). Cytogenetic location: Xp21.2.
Variant type: single nucleotide variant.
Coding change: c.9361+1G>A on transcript NM_004006.3 (MANE Select); the canonical splice donor site of the intron after coding-DNA position 9361, G replaced by A.
Molecular consequence: splice donor variant.
Genome position (GRCh38, 1-based): chrX:31,223,046, C>T on the plus strand (G>A on the coding strand, the complement: DMD is on the minus strand). VCF-style: chrX-31223046-C-T. GRCh37 (hg19) VCF-style: chrX-31241163-C-T.
Other names: c.9337+1G>A (NM_000109.4); c.5338+1G>A (NM_004011.4); c.5329+1G>A (NM_004012.4); c.1981+1G>A (NM_004023.3, NM_004020.4, NM_004022.3 and 2 more transcripts); c.1174+1G>A (NM_004014.3); c.157+1G>A (NM_004018.3, NM_004017.3, NM_004016.3 and 2 more transcripts); c.9349+1G>A (NM_004009.3); c.8992+1G>A (NM_004010.3).
Identifiers: ClinVar variation 94841 (VCV000094841.20), dbSNP rs398124094, ClinGen allele CA267188.

ClinVar aggregate classification (germline): Pathogenic/Likely pathogenic. Review status: criteria provided, multiple submitters, no conflicts (2 of 4 stars). 7 submissions from 7 submitters: Pathogenic (6); Likely pathogenic (1). Last evaluated 2025-12-01.

Conditions:
Becker muscular dystrophy, Cardiomyopathy, Duchenne muscular dystrophy, Dystrophin deficiency.
Neuromuscular disease caused by qualitative or quantitative defects of dystrophin. Also called: Qualitative or quantitative defects of dystrophin. Identifiers: Orphanet 207085, MedGen C5679787, MONDO:0016147.
Duchenne muscular dystrophy (DMD). Also called: Duchenne Muscular Dystrophy (DMD); MUSCULAR DYSTROPHY, PSEUDOHYPERTROPHIC PROGRESSIVE, DUCHENNE TYPE. Identifiers: Orphanet 98896, MedGen C0013264, MONDO:0010679, OMIM 310200.

Submissions (7):

Women's Health and Genetics/Laboratory Corporation of America, LabCorp
Classification: Pathogenic for Neuromuscular disease caused by qualitative or quantitative defects of dystrophin. Last evaluated: 2025-12-01. Review status: criteria provided, single submitter. Criteria: LabCorp Variant Classification Summary - May 2015. Collection method: clinical testing. Allele origin: germline.
Comment: Variant summary: DMD c.9361+1G>A is located in a canonical splice-site and is predicted to affect mRNA splicing resulting in a significantly altered protein due to either exon skipping, shortening, or inclusion of intronic material. Variants that disrupt the consensus splice site are a relatively common cause of aberrant splicing and loss of DMD function. Several computational tools predict a significant impact on normal splicing: Four predict the variant abolishes the canonical 5' splicing donor site. At least one publication reports experimental evidence that this variant affects mRNA splicing by skipping exon 64, resulting in in-frame deletion of 25 amino acids. The variant was absent in 183495 control chromosomes. c.9361+1G>A has been observed in at-least one individual affected with BMD or DMD (example, Flanigan_2009). Additionally, c.9361+1G>C has been associated with disease in ClinVar (Variation ID: 94842). The following publications have been ascertained in the context of this evaluation (PMID: 19937601, 28100912). ClinVar contains an entry for this variant (Variation ID: 94841). Based on the evidence outlined above, the variant was classified as pathogenic.

Natera, Inc.
Classification: Likely pathogenic for Becker muscular dystrophy, Cardiomyopathy, Duchenne muscular dystrophy, Dystrophin deficiency. Last evaluated: 2025-11-06. Review status: criteria provided, single submitter. Criteria: Natera Variant Classification Schema (03/2026). Collection method: clinical testing. Allele origin: germline.
Comment: The c.9361+1G>A variant in DMD is a canonical splice donor site variant predicted to affect pre-mRNA splicing, which may result in an abnormal transcript and altered protein product. This variant may result in a truncated or dysfunctional protein product. This variant is rare in the general population with a frequency below the threshold expected for the associated phenotype(s). This variant has been observed in affected individual(s) with monoallelic occurrence (heterozygous/hemizygous) (PMID: 28859693, 19937601). Functional studies show that this variant may disrupt protein function (PMID: 28100912). Given the available evidence, this variant is classified as Likely Pathogenic.

GeneDx
Classification: Pathogenic. Last evaluated: 2025-09-04. Review status: criteria provided, single submitter. Criteria: GeneDx Variant Classification Process June 2021. Collection method: clinical testing. Allele origin: germline. Affected: yes.
Comment: Canonical splice site variant predicted to result in a null allele in a gene for which loss of function is a known mechanism of disease (PMID: 28100912); Not observed at significant frequency in large population cohorts (gnomAD); This variant is associated with the following publications: (PMID: 19937601, 29305136, 25525159, 32721234, 21515508, 28100912)

Labcorp Genetics (formerly Invitae), Labcorp
Classification: Pathogenic for Duchenne muscular dystrophy. Last evaluated: 2024-10-16. Review status: criteria provided, single submitter. Criteria: Invitae Variant Classification Sherloc (09022015). Collection method: clinical testing. Allele origin: germline.
Comment: This sequence change affects a donor splice site in intron 64 of the DMD gene. It is expected to disrupt RNA splicing. Variants that disrupt the donor or acceptor splice site typically lead to a loss of protein function (PMID: 16199547), and loss-of-function variants in DMD are known to be pathogenic (PMID: 16770791, 25007885). This variant is not present in population databases (gnomAD no frequency). Disruption of this splice site has been observed in individuals with DMD-related conditions (PMID: 19937601, 21515508, 28100912). ClinVar contains an entry for this variant (Variation ID: 94841). Algorithms developed to predict the effect of sequence changes on RNA splicing suggest that this variant may disrupt the consensus splice site. For these reasons, this variant has been classified as Pathogenic.

Revvity Omics, Revvity
Classification: Pathogenic. Last evaluated: 2022-09-21. Review status: criteria provided, single submitter. Criteria: ACMG Guidelines, 2015. Collection method: clinical testing. Allele origin: germline.

Eurofins Ntd Llc (ga)
Classification: Pathogenic. Last evaluated: 2018-07-05. Review status: criteria provided, single submitter. Criteria: EGL ClinVar v180209 classification definitions. Collection method: clinical testing. Allele origin: germline. Observed: 3 variant alleles, 1 heterozygote, 2 hemizygotes.

Neuberg Centre For Genomic Medicine, NCGM
Classification: Pathogenic for Duchenne muscular dystrophy. Review status: criteria provided, single submitter. Criteria: ACMG Guidelines, 2015. Collection method: clinical testing. Allele origin: germline. Inheritance: X-linked inheritance. Affected: yes.
Comment: The splice donor (c.9361+1G>A) variant has been observed in individuals affected with Duchenne muscular dystrophy and related dystrophinopathies (Mah et. al., 2011; Flanigan et. al., 2009). Experimental studies have shown that this splice change activates a cryptic splice site and leads to partial retention of intron 64 (Niba et. al., 2017). The c.9361+1G>A variant is novel (not in any individuals) in gnomAD Exomes and 1000 Genomes. This variant has been reported to the ClinVar database as Pathogenic. Donor and acceptor splice site variants typically lead to a loss of protein function (Baralle et. al., 2005), and loss-of-function variants in DMD are known to be pathogenic (Aartsma-Rus et. al., 2006). For these reasons, this variant has been classified as Pathogenic.

Literature cited by the submitters: PubMed 19937601 (cited by 4 submitters); PubMed 28100912 (cited by 4 submitters); PubMed 28859693 (cited by Natera, Inc.); PubMed 16199547 (cited by Labcorp Genetics (formerly Invitae), Labcorp); PubMed 16770791 (cited by Labcorp Genetics (formerly Invitae), Labcorp); PubMed 25007885 (cited by Labcorp Genetics (formerly Invitae), Labcorp); PubMed 21515508 (cited by Labcorp Genetics (formerly Invitae), Labcorp).